The following is an entry in ClinVar:

ClinVar aggregate classification (germline): Likely pathogenic (1 of 4 stars; one submission).

Conditions:
FBN1-related disorder. Also called: FBN1-related disorders.

Submission:

PreventionGenetics, part of Exact Sciences
Classification: Likely pathogenic for FBN1-related condition. Last evaluated: 2023-02-15. Review status: criteria provided, single submitter. Criteria: ACMG Guidelines, 2015. Collection method: clinical testing. Allele origin: germline.
Comment: The FBN1 c.3554delG variant is predicted to result in a frameshift and premature protein termination (p.Gly1185Alafs*19). To our knowledge, this variant has not been reported in the literature or in a large population database, indicating this variant is rare. Frameshift variants in FBN1 are expected to be pathogenic. This variant is interpreted as likely pathogenic.

NM_000138.5(FBN1):c.3554del (p.Gly1185fs)

Gene: FBN1 (fibrillin 1; minus strand). Cytogenetic location: 15q21.1.
Variant type: Deletion.
Coding change: c.3554del on transcript NM_000138.5 (MANE Select); coding-DNA position 3554, one base deleted (G; older notation c.3554delG).
Protein change: p.Gly1185fs; shifts the reading frame from glycine 1185.
Molecular consequence: frameshift variant.
Genome position (GRCh38, 1-based): chr15:48,487,110, C deleted on the plus strand (G on the coding strand, the reverse complement: FBN1 is on the minus strand); the first of 2 consecutive C bases (chr15:48,487,110-48,487,111); deleting either gives the same sequence. VCF-style (leftmost placement, unchanged base first): chr15-48487109-GC-G. GRCh37 (hg19) VCF-style: chr15-48779306-GC-G.
Other names: c.3554del, p.Gly1185fs (NM_001406716.1); c.3554delG (NM_000138.4); short protein forms G1185fs.
Identifiers: ClinVar variation 2630162 (VCV002630162.1), dbSNP rs2505549134, ClinGen allele CA2695197283.